The following is an entry in ClinVar:

NM_020975.6(RET):c.2393-9C>T

Gene: RET (ret proto-oncogene; plus strand). Cytogenetic location: 10q11.21.
Variant type: single nucleotide variant.
Coding change: c.2393-9C>T on transcript NM_020975.6 (MANE Select); 9 bases into the intron before coding-DNA position 2393, C replaced by T.
Molecular consequence: intron variant.
Genome position (GRCh38, 1-based): chr10:43,119,522, C>T. VCF-style: chr10-43119522-C-T. GRCh37 (hg19) VCF-style: chr10-43614970-C-T.
Other names: c.2393-9C>T (NM_020630.7, NM_001406743.1, NM_001406744.1 and 2 more transcripts); c.2258-9C>T (NM_001406765.1, NM_001406763.1); c.1997-9C>T (NM_001406772.1, NM_001406769.1); c.1955-9C>T (NM_001406773.1, NM_001406771.1); c.1496-9C>T (NM_001406782.1, NM_001406780.1, NM_001406779.1 and 1 more transcripts); c.1361-9C>T (NM_001406787.1); c.1376-9C>T (NM_001406785.1); c.2264-9C>T (NM_001406764.1, NM_001406762.1, NM_001406761.1); and 10 more.
Identifiers: ClinVar variation 219833 (VCV000219833.34), dbSNP rs567543719, ClinGen allele CA039031.

ClinVar aggregate classification (germline): Benign/Likely benign. Review status: criteria provided, multiple submitters, no conflicts (2 of 4 stars). 11 submissions from 11 submitters: Benign (5); Likely benign (5). 1 of the submissions does not count toward it. Last evaluated 2026-01-13.

Conditions:
Pheochromocytoma. Also called: MAX-Related Hereditary Paraganglioma-Pheochromocytoma Syndrome. Identifiers: Orphanet 29072, MedGen C0031511, MONDO:0008233, OMIM 171300, HP:0002666.
Hirschsprung disease, susceptibility to, 1 (HSCR1). Also called: RET-Related Hirschsprung Disease. Identifiers: Orphanet 388, MedGen C3888239, MONDO:0007723, OMIM 142623.
Familial medullary thyroid carcinoma (MTC). Also called: Thyroid cancer, familial medullary; MTC, familial; Familial Medullary Thyroid Carcinoma (FMTC). Identifiers: Orphanet 653, Orphanet 99361, MedGen C1833921, MONDO:0007958, OMIM 155240.
Multiple endocrine neoplasia type 2B. Also called: WAGENMANN-FROBOESE SYNDROME; MULTIPLE ENDOCRINE NEOPLASIA, TYPE III; MEN 2B; MUCOSAL NEUROMA SYNDROME; MULTIPLE ENDOCRINE NEOPLASIA, TYPE IIB; MEN IIB. Identifiers: Orphanet 247709, Orphanet 653, MedGen C0025269, MeSH D018814, MONDO:0008082, OMIM 162300.
Multiple endocrine neoplasia type 2A. Also called: MULTIPLE ENDOCRINE NEOPLASIA, TYPE IIA; PTC SYNDROME; SIPPLE SYNDROME; MEN 2A; MEN-2A syndrome; Pheochromocytoma and amyloid producing medullary thyroid carcinoma. Identifiers: Orphanet 247698, Orphanet 653, MedGen C0025268, MeSH D018813, MONDO:0008234, OMIM 171400.
RET-related disorder. Also called: RET-related disorders; RET-related condition; RET-related disease.
Hereditary cancer-predisposing syndrome. Also called: Tumor predisposition; Hereditary neoplastic syndrome; Neoplastic Syndromes, Hereditary; Hereditary Cancer Syndrome. Identifiers: Orphanet 140162, MedGen C0027672, MeSH D009386, MONDO:0015356.
Multiple endocrine neoplasia, type 2 (MEN2). Identifiers: Orphanet 653, MedGen C4048306, MONDO:0019003. Disease mechanism: gain of function.

Allele frequency attached by ClinVar (database versions not stated): TOPMed 0.00001; gnomAD 0.00002 and 0.00005; gnomAD exomes 0.00015; 1000 Genomes Project 30x 0.00016; 1000 Genomes Project 0.00020; ExAC 0.00038.
gnomAD v4.1: 188 of 1,588,992 alleles (0.012%); highest among the groups gnomAD compares: South Asian, 0.17%; 5 homozygotes.

Submissions (11):

PreventionGenetics, part of Exact Sciences
Classification: Likely benign for RET-related condition. Last evaluated: 2026-01-13. Review status: criteria provided, single submitter. Criteria: ACMG Guidelines, 2015. Collection method: clinical testing. Allele origin: germline.
Comment: This variant is classified as likely benign based on ACMG/AMP sequence variant interpretation guidelines (Richards et al. 2015 PMID: 25741868, with internal and published modifications).

Labcorp Genetics (formerly Invitae), Labcorp
Classification: Benign for Multiple endocrine neoplasia, type 2. Last evaluated: 2026-01-01. Review status: criteria provided, single submitter. Criteria: Invitae Variant Classification Sherloc (09022015). Collection method: clinical testing. Allele origin: germline.

CeGaT Center for Human Genetics Tuebingen
Classification: Likely benign. Last evaluated: 2024-11-01. Review status: criteria provided, single submitter. Criteria: CeGaT Center For Human Genetics Tuebingen Variant Classification Criteria Version 2. Collection method: clinical testing. Allele origin: germline. Affected: yes. Observed: 1 variant allele.
Comment: RET: BS1

Myriad Genetics, Inc.
Classification: Benign for Multiple endocrine neoplasia type 2A. Last evaluated: 2024-09-05. Review status: criteria provided, single submitter. Criteria: Myriad Autosomal Dominant, Autosomal Recessive and X-Linked Classification Criteria (2023). Collection method: clinical testing. Allele origin: unknown.
Comment: This variant is considered benign. This variant is intronic and is not expected to impact mRNA splicing. This variant has been observed at a population frequency that is significantly greater than expected given the associated disease prevalence and penetrance.

Blueprint Genetics
Classification: Likely benign. Last evaluated: 2024-07-04. Review status: criteria provided, single submitter. Criteria: ACMG Guidelines, 2015. Collection method: clinical testing. Allele origin: germline.

All of Us Research Program, National Institutes of Health
Classification: Benign for Multiple endocrine neoplasia, type 2. Last evaluated: 2023-12-13. Review status: criteria provided, single submitter. Criteria: ACMG Guidelines, 2015. Collection method: clinical testing. Allele origin: germline. Inheritance: Autosomal dominant inheritance. Observed: 9 variant alleles, 9 heterozygotes.
Comment: This study involves interpretation of variants in research participants for the purpose of population health screening. Participant phenotype was not available at the time of variant classification. Additional details can be found in publication PMID: 35346344, PMCID: PMC8962531

KCCC/NGS Laboratory, Kuwait Cancer Control Center
Classification: Benign for Multiple endocrine neoplasia type 2B. Last evaluated: 2023-07-07. Review status: criteria provided, single submitter. Criteria: ACMG Guidelines, 2015. Collection method: clinical testing. Allele origin: germline. Affected: yes.

Color Diagnostics, LLC DBA Color Health
Classification: Benign for Multiple endocrine neoplasia, type 2. Last evaluated: 2023-04-05. Review status: criteria provided, single submitter. Criteria: ACMG Guidelines, 2015. Collection method: clinical testing. Allele origin: germline.

Sema4
Classification: Likely benign for Hereditary cancer-predisposing syndrome. Last evaluated: 2021-11-01. Review status: criteria provided, single submitter. Criteria: Sema4 Curation Guidelines. Collection method: curation. Allele origin: germline.

Fulgent Genetics
Classification: Likely benign for Hirschsprung disease, susceptibility to, 1; Familial medullary thyroid carcinoma; Multiple endocrine neoplasia type 2B; Pheochromocytoma; Multiple endocrine neoplasia type 2A. Last evaluated: 2021-07-06. Review status: criteria provided, single submitter. Criteria: ACMG Guidelines, 2015. Collection method: clinical testing. Allele origin: unknown.

Counsyl
Classification: Likely benign for Multiple endocrine neoplasia type 2A. Last evaluated: 2017-01-27. Review status: no assertion criteria provided. Collection method: clinical testing. Allele origin: unknown. Not counted in ClinVar's aggregate classification.